The following is an entry in ClinVar:

ClinVar aggregate classification (germline): Uncertain significance (1 of 4 stars; one submission).

Submission:

GeneDx
Classification: Uncertain significance. Last evaluated: 2023-07-08. Review status: criteria provided, single submitter. Criteria: GeneDx Variant Classification Process June 2021. Collection method: clinical testing. Allele origin: germline. Affected: yes.
Comment: Not observed at significant frequency in large population cohorts (gnomAD); In silico analysis supports that this missense variant does not alter protein structure/function; Has not been previously published as pathogenic or benign to our knowledge

NM_001379451.1(BCORL1):c.1652C>T (p.Thr551Ile)

Gene: BCORL1 (BCL6 corepressor like 1; plus strand). Cytogenetic location: Xq26.1.
Variant type: single nucleotide variant.
Coding change: c.1652C>T on transcript NM_001379451.1 (MANE Select); coding-DNA position 1652, C replaced by T.
Protein change: p.Thr551Ile; replaces threonine 551 with isoleucine.
Molecular consequence: missense variant.
Genome position (GRCh38, 1-based): chrX:130,014,424, C>T. VCF-style: chrX-130014424-C-T. GRCh37 (hg19) VCF-style: chrX-129148400-C-T.
Other names: c.1652C>T, p.Thr551Ile (NM_001184772.3, NM_001379450.1, NM_021946.5); short protein forms T551I.
Identifiers: ClinVar variation 3360808 (VCV003360808.1).